The following is an entry in ClinVar:

NM_001302998.2(LIPI):c.565T>G (p.Phe189Val)

Gene: LIPI (lipase I; minus strand). Cytogenetic location: 21q11.2.
Variant type: single nucleotide variant.
Coding change: c.565T>G on transcript NM_001302998.2 (MANE Select); coding-DNA position 565, T replaced by G.
Protein change: p.Phe189Val; replaces phenylalanine 189 with valine.
Molecular consequence: missense variant.
Genome position (GRCh38, 1-based): chr21:14,181,836, A>C on the plus strand (T>G on the coding strand, the complement: LIPI is on the minus strand). VCF-style: chr21-14181836-A-C. GRCh37 (hg19) VCF-style: chr21-15554157-A-C.
Other names: c.628T>G (NM_198996.2); c.565T>G, p.Phe189Val (NM_001302999.2, NM_001303000.2, NM_001303001.2 and 1 more transcripts); c.70T>G, p.Phe24Val (NM_001379566.1); c.430T>G, p.Phe144Val (NM_198996.4); short protein forms F24V, F144V, F189V.
Identifiers: ClinVar variation 2723558 (VCV002723558.4), dbSNP rs539855459, ClinGen allele CA9979628.
Genomic context (GRCh38, chr21:14,181,836, plus strand): 5'-TGACATCCACAAACTTTGCATCCGTGTAATCTAATCTGCTATATGGTGGTTTTCTGGAGA[A>C]CCTTGGCCCAGCAGGGTCAAGACCTGGAAAGCAAGAAAGAAATAATCAGTCTCATCAAGT-3'
Protein context (NP_001289927.1, residues 179-199): ITGLDPAGPR[Phe189Val]SRKPPYSRLD

ClinVar aggregate classification (germline): Uncertain significance. Review status: criteria provided, multiple submitters, no conflicts (2 of 4 stars). 2 submissions from 2 submitters: Uncertain significance (2). Last evaluated 2025-09-05.

Allele frequency attached by ClinVar (database versions not stated): TOPMed 0.00002.
gnomAD v4.1: 48 of 1,611,568 alleles (0.003%); highest among the groups gnomAD compares: Non-Finnish European, 0.0036%; no homozygotes.

Submissions (2):

Ambry Genetics
Classification: Uncertain significance. Last evaluated: 2025-09-05. Review status: criteria provided, single submitter. Criteria: Ambry Variant Classification Scheme 2023. Collection method: clinical testing. Allele origin: germline.

Labcorp Genetics (formerly Invitae), Labcorp
Classification: Uncertain significance. Last evaluated: 2023-08-27. Review status: criteria provided, single submitter. Criteria: Invitae Variant Classification Sherloc (09022015). Collection method: clinical testing. Allele origin: germline.
Comment: In summary, the available evidence is currently insufficient to determine the role of this variant in disease. Therefore, it has been classified as a Variant of Uncertain Significance. An algorithm developed to predict the effect of missense changes on protein structure and function (PolyPhen-2) suggests that this variant is likely to be disruptive. This variant has not been reported in the literature in individuals affected with LIPI-related conditions. This variant is present in population databases (rs539855459, gnomAD 0.002%). This sequence change replaces phenylalanine, which is neutral and non-polar, with valine, which is neutral and non-polar, at codon 210 of the LIPI protein (p.Phe210Val).